The following is an entry in ClinVar:

NM_032436.4(CHAMP1):c.60T>G (p.Ser20Arg)

Gene: CHAMP1 (chromosome alignment maintaining phosphoprotein 1; plus strand). Cytogenetic location: 13q34.
Variant type: single nucleotide variant.
Coding change: c.60T>G on transcript NM_032436.4 (MANE Select); coding-DNA position 60, T replaced by G.
Protein change: p.Ser20Arg; replaces serine 20 with arginine.
Molecular consequence: missense variant.
Genome position (GRCh38, 1-based): chr13:114,323,902, T>G. VCF-style: chr13-114323902-T-G. GRCh37 (hg19) VCF-style: chr13-115089377-T-G.
Other names: c.60T>G, p.Ser20Arg (NM_001164144.3, NM_001164145.3); short protein forms S20R.
Identifiers: ClinVar variation 4082851 (VCV004082851.1).
Genomic context (GRCh38, chr13:114,323,902, plus strand): 5'-AATGGAAGCATTCCAGGAACTTCGTAAACCATCAGCACGTTTGGAGTGTGACCATTGCAG[T>G]TTCAGAGGCACAGACTATGAAAATGTACAAATCCATATGGGTACCATCCATCCAGAATTT-3'
Protein context (NP_115812.1, residues 10-30): PSARLECDHC[Ser20Arg]FRGTDYENVQ

ClinVar aggregate classification (germline): Uncertain significance (1 of 4 stars; one submission).

Submission:

GeneDx
Classification: Uncertain significance. Last evaluated: 2025-03-06. Review status: criteria provided, single submitter. Criteria: GeneDx Variant Classification Process June 2021. Collection method: clinical testing. Allele origin: germline. Affected: yes.
Comment: Not observed at significant frequency in large population cohorts (gnomAD); In silico analysis indicates that this missense variant does not alter protein structure/function; Has not been previously published as pathogenic or benign to our knowledge